The following is an entry in ClinVar:

NM_145046.5(CALR3):c.23T>G (p.Leu8Arg)

Gene: CALR3 (calreticulin 3; minus strand). Cytogenetic location: 19p13.11.
Variant type: single nucleotide variant.
Coding change: c.23T>G on transcript NM_145046.5 (MANE Select); coding-DNA position 23, T replaced by G.
Protein change: p.Leu8Arg; replaces leucine 8 with arginine.
Molecular consequence: missense variant.
Genome position (GRCh38, 1-based): chr19:16,496,107, A>C on the plus strand (T>G on the coding strand, the complement: CALR3 is on the minus strand). VCF-style: chr19-16496107-A-C. GRCh37 (hg19) VCF-style: chr19-16606918-A-C.
Other names: short protein forms L8R.
Identifiers: ClinVar variation 4721647 (VCV004721647.1).
Genomic context (GRCh38, chr19:16,496,107, plus strand): 5'-AGAAATTCCTCTTGGAAATAGACGGTAGCCAGCGCCACTCGCAGCATGCATATGGCCCAG[A>C]GCTGGACCAAAGCCCGGGCCATGGGGGTGTGCACTGCGCTTCCGGTCGCCGCCACCCCTT-3'
Protein context (NP_659483.2, residues 1-18): MARALVQ[Leu8Arg]WAICMLRVAL

ClinVar aggregate classification (germline): Uncertain significance (1 of 4 stars; one submission).

Conditions:
Hypertrophic cardiomyopathy 19. Also called: Familial hypertrophic cardiomyopathy 19. Identifiers: MedGen CN077603, MONDO:0013476.

gnomAD v4.1: 1 of 1,605,674 alleles (0.000062%); highest among the groups gnomAD compares: Non-Finnish European, 0.000085%; no homozygotes.

Submission:

Labcorp Genetics (formerly Invitae), Labcorp
Classification: Uncertain significance for Hypertrophic cardiomyopathy 19. Last evaluated: 2025-06-18. Review status: criteria provided, single submitter. Criteria: Invitae Variant Classification Sherloc (09022015). Collection method: clinical testing. Allele origin: germline.
Comment: This sequence change replaces leucine, which is neutral and non-polar, with arginine, which is basic and polar, at codon 8 of the CALR3 protein (p.Leu8Arg). This variant is not present in population databases (gnomAD no frequency). This variant has not been reported in the literature in individuals affected with CALR3-related conditions. An algorithm developed to predict the effect of missense changes on protein structure and function (PolyPhen-2) suggests that this variant is likely to be disruptive. In summary, the available evidence is currently insufficient to determine the role of this variant in disease. Therefore, it has been classified as a Variant of Uncertain Significance.